The following is an entry in ClinVar:

NM_006421.5(ARFGEF1):c.5137G>A (p.Gly1713Ser)

Gene: ARFGEF1 (ARF guanine nucleotide exchange factor 1; minus strand). Cytogenetic location: 8q13.2.
Variant type: single nucleotide variant.
Coding change: c.5137G>A on transcript NM_006421.5 (MANE Select); coding-DNA position 5137, G replaced by A.
Protein change: p.Gly1713Ser; replaces glycine 1713 with serine.
Molecular consequence: missense variant. On other transcripts: non-coding transcript variant (1).
Genome position (GRCh38, 1-based): chr8:67,201,597, C>T on the plus strand (G>A on the coding strand, the complement: ARFGEF1 is on the minus strand). VCF-style: chr8-67201597-C-T. GRCh37 (hg19) VCF-style: chr8-68113832-C-T.
Other names: c.5137G>A, p.Gly1713Ser (NM_001413184.1, NM_001413187.1, NM_001413194.1); c.5119G>A, p.Gly1707Ser (NM_001413185.1, NM_001413186.1, NM_001413189.1); c.4537G>A, p.Gly1513Ser (NM_001413188.1, NM_001413197.1); c.5131G>A, p.Gly1711Ser (NM_001413190.1); c.5041G>A, p.Gly1681Ser (NM_001413191.1); c.5023G>A, p.Gly1675Ser (NM_001413192.1); c.4519G>A, p.Gly1507Ser (NM_001413193.1); c.3712G>A, p.Gly1238Ser (NM_001413196.1); short protein forms G1238S, G1507S, G1513S, G1675S, G1681S, G1707S, G1711S, G1713S.
Identifiers: ClinVar variation 4846867 (VCV004846867.1).

ClinVar aggregate classification (germline): Uncertain significance (1 of 4 stars; one submission).

Conditions:
Developmental delay, impaired speech, and behavioral abnormalities, with or without seizures (DEDISB). Identifiers: MedGen C5575272, MONDO:0859263, OMIM 619964.

Submission:

Laboratorio de Genetica e Diagnostico Molecular, Hospital Israelita Albert Einstein
Classification: Uncertain significance for Developmental delay, impaired speech, and behavioral abnormalities, with or without seizures. Last evaluated: 2025-08-28. Review status: criteria provided, single submitter. Criteria: ACMG Guidelines, 2015. Collection method: clinical testing. Allele origin: germline. Affected: yes.
Comment: ACMG classification criteria: PM2 supporting, PP2 supporting, BP4 supporting